The following is an entry in ClinVar:

ClinVar aggregate classification (germline): Likely benign. Review status: criteria provided, multiple submitters, no conflicts (2 of 4 stars). 2 submissions from 2 submitters: Likely benign (2). Last evaluated 2026-07-01.

Conditions:
Glycogen storage disease, type II (IOPD). Also called: CARDIOMEGALIA GLYCOGENICA DIFFUSA; GLYCOGENOSIS, GENERALIZED, CARDIAC FORM; GSD II; Glycogen storage disease type 2; Acid maltase deficiency disease; Aglucosidase alfa. Identifiers: Orphanet 365, MedGen C0017921, MONDO:0009290, OMIM 232300.

Allele frequency attached by ClinVar (database versions not stated): gnomAD exomes below 0.00001.
gnomAD v4.1: 2 of 1,610,620 alleles (0.00012%); highest among the groups gnomAD compares: Non-Finnish European, 0.00017%; no homozygotes.

Submissions (2):

Genomenon, Inc
Classification: Likely benign for Glycogen storage disease, type II. Last evaluated: 2026-07-01. Review status: criteria provided, single submitter. Criteria: Genomenon Sequence Variant Interpretation Standards - Updated. Collection method: curation. Allele origin: germline. Affected: no.
Comment: GAA c.1971G>A is a synonymous variant that retains Leucine at codon 657. This variant has been reported in the published literature (PMID:18425781;9521422). It is absent or not present at a significant frequency in gnomAD. This variant is not predicted to impact splicing. In conclusion, we classify GAA c.1971G>A (p.Leu657=) as a likely benign variant.

Labcorp Genetics (formerly Invitae), Labcorp
Classification: Likely benign for Glycogen storage disease, type II. Last evaluated: 2023-07-28. Review status: criteria provided, single submitter. Criteria: Invitae Variant Classification Sherloc (09022015). Collection method: clinical testing. Allele origin: germline.

Literature cited by the submitters: PubMed 18425781 (cited by Genomenon, Inc); PubMed 9521422 (cited by Genomenon, Inc).

NM_000152.5(GAA):c.1971G>A (p.Leu657=)

Gene: GAA (alpha glucosidase; plus strand). Cytogenetic location: 17q25.3.
Variant type: single nucleotide variant.
Coding change: c.1971G>A on transcript NM_000152.5 (MANE Select); coding-DNA position 1971, G replaced by A.
Protein change: p.Leu657=; no amino-acid change (leucine 657 retained).
Molecular consequence: synonymous variant.
Genome position (GRCh38, 1-based): chr17:80,112,958, G>A. VCF-style: chr17-80112958-G-A. GRCh37 (hg19) VCF-style: chr17-78086757-G-A.
Other names: c.1971G>A, p.Leu657= (NM_001079803.3, NM_001079804.3, NM_001406741.1 and 1 more transcripts).
Identifiers: ClinVar variation 2745168 (VCV002745168.4), dbSNP rs1313258240, ClinGen allele CA502402823.
Genomic context (GRCh38, chr17:80,112,958, plus strand): 5'-GGGGGTGCCTCTGGTCGGGGCCGACGTCTGCGGCTTCCTGGGCAACACCTCAGAGGAGCT[G>A]TGTGTGCGCTGGACCCAGCTGGGGGCCTTCTACCCCTTCATGCGGAACCACAACAGCCTG-3'
Protein context (NP_000143.2, residues 647-667): CGFLGNTSEE[Leu657=]CVRWTQLGAF